The following is an entry in ClinVar:

NM_000520.6(HEXA):c.386C>G (p.Ser129Cys)

Gene: HEXA (hexosaminidase subunit alpha; minus strand). Cytogenetic location: 15q23.
Variant type: single nucleotide variant.
Coding change: c.386C>G on transcript NM_000520.6 (MANE Select); coding-DNA position 386, C replaced by G.
Protein change: p.Ser129Cys; replaces serine 129 with cysteine.
Molecular consequence: missense variant. On other transcripts: non-coding transcript variant (1).
Genome position (GRCh38, 1-based): chr15:72,355,585, G>C on the plus strand (C>G on the coding strand, the complement: HEXA is on the minus strand). VCF-style: chr15-72355585-G-C. GRCh37 (hg19) VCF-style: chr15-72647926-G-C.
Other names: c.419C>G, p.Ser140Cys (NM_001318825.2); short protein forms S140C, S129C.
Identifiers: ClinVar variation 2046663 (VCV002046663.4), dbSNP rs1295567201, ClinGen allele CA393066670.

ClinVar aggregate classification (germline): Uncertain significance (1 of 4 stars; one submission).

Conditions:
Tay-Sachs disease (TSD). Also called: HEXA DEFICIENCY; GM2 gangliosidosis, type 1; Hexosaminidase alpha-subunit deficiency (variant B); Sphingolipidosis, Tay-Sachs; Hexosaminidase A Deficiency; HEXA Disorders. Identifiers: Orphanet 845, MedGen C0039373, MONDO:0010100, OMIM 272800.

Submission:

Labcorp Genetics (formerly Invitae), Labcorp
Classification: Uncertain significance for Tay-Sachs disease. Last evaluated: 2021-12-18. Review status: criteria provided, single submitter. Criteria: Invitae Variant Classification Sherloc (09022015). Collection method: clinical testing. Allele origin: germline.
Comment: This sequence change replaces serine, which is neutral and polar, with cysteine, which is neutral and slightly polar, at codon 129 of the HEXA protein (p.Ser129Cys). This variant is not present in population databases (gnomAD no frequency). This variant has not been reported in the literature in individuals affected with HEXA-related conditions. Algorithms developed to predict the effect of missense changes on protein structure and function are either unavailable or do not agree on the potential impact of this missense change (SIFT: "Deleterious"; PolyPhen-2: "Probably Damaging"; Align-GVGD: "Class C0"). Algorithms developed to predict the effect of sequence changes on RNA splicing suggest that this variant may create or strengthen a splice site. In summary, the available evidence is currently insufficient to determine the role of this variant in disease. Therefore, it has been classified as a Variant of Uncertain Significance.